The following is an entry in ClinVar:

NM_207361.6(FREM2):c.*5612T>G

Gene: FREM2 (FRAS1 related extracellular matrix 2; plus strand). Cytogenetic location: 13q13.3.
Variant type: single nucleotide variant.
Coding change: c.*5612T>G on transcript NM_207361.6 (MANE Select); 5612 bases downstream of the stop codon, T replaced by G.
Molecular consequence: 3 prime UTR variant.
Genome position (GRCh38, 1-based): chr13:38,886,399, T>G. VCF-style: chr13-38886399-T-G. GRCh37 (hg19) VCF-style: chr13-39460536-T-G.
Identifiers: ClinVar variation 312109 (VCV000312109.5), dbSNP rs200747289, ClinGen allele CA10644479.
Genomic context (GRCh38, chr13:38,886,399, plus strand): 5'-CACACACACACACATACACACACATATATGTACATACATATATATATAGAGAGAGAGAGA[T>G]AGATTTTTTTTTTTTGAGACAGAGTTTCGCTCTTGTTGCCCAGGCTGGAGTGCAATGGAA-3'

ClinVar aggregate classification (germline): Benign (1 of 4 stars; one submission).

Conditions:
Fraser syndrome 2 (FRASRS2). Identifiers: MedGen C4540036, MONDO:0054738, OMIM 617666.

Allele frequency attached by ClinVar (database versions not stated): TOPMed 0.02065; 1000 Genomes Project 0.02396; gnomAD 0.03887 and 0.04089.

Submission:

Illumina Laboratory Services, Illumina
Classification: Benign for Fraser syndrome 2. Last evaluated: 2018-01-13. Review status: criteria provided, single submitter. Criteria: ICSL Variant Classification Criteria 13 December 2019. Collection method: clinical testing. Allele origin: germline.
Comment: This variant was observed in the ICSL laboratory as part of a predisposition screen in an ostensibly healthy population. It had not been previously curated by ICSL or reported in the Human Gene Mutation Database (HGMD: prior to June 1st, 2018), and was therefore a candidate for classification through an automated scoring system. Utilizing variant allele frequency, disease prevalence and penetrance estimates, and inheritance mode, an automated score was calculated to assess if this variant is too frequent to cause the disease. Based on the score and internal cut-off values, a variant classified as benign is not then subjected to further curation. The score for this variant resulted in a classification of benign for this disease.